The following is an entry in ClinVar:

ClinVar aggregate classification (germline): Likely pathogenic (1 of 4 stars; one submission).

Conditions:
Galactosylceramide beta-galactosidase deficiency. Also called: Leukodystrophy, Globoid Cell; GALACTOCEREBROSIDASE DEFICIENCY; GALC DEFICIENCY; GLOBOID CELL LEUKOENCEPHALOPATHY; Krabbe Disease. Identifiers: Orphanet 487, MedGen C0023521, MONDO:0009499, OMIM 245200.

gnomAD v4.1: 1 of 1,614,110 alleles (0.000062%); no homozygotes.

Submission:

Labcorp Genetics (formerly Invitae), Labcorp
Classification: Likely pathogenic for Galactosylceramide beta-galactosidase deficiency. Last evaluated: 2021-06-11. Review status: criteria provided, single submitter. Criteria: Invitae Variant Classification Sherloc (09022015). Collection method: clinical testing. Allele origin: germline.
Comment: This variant has not been reported in the literature in individuals with GALC-related disease. In summary, the currently available evidence indicates that the variant is pathogenic, but additional data are needed to prove that conclusively. Therefore, this variant has been classified as Likely Pathogenic. Donor and acceptor splice site variants typically lead to a loss of protein function (PMID: 16199547), and loss-of-function variants in GALC are known to be pathogenic (PMID: 7437911, 9272171, 16607461). This variant is not present in population databases (ExAC no frequency). This sequence change affects an acceptor splice site in intron 4 of the GALC gene. It is expected to disrupt RNA splicing and likely results in an absent or disrupted protein product.

Literature cited by the submitters: PubMed 16199547; PubMed 7437911; PubMed 9272171; PubMed 16607461.

NM_000153.4(GALC):c.443-2A>G

Gene: GALC (galactosylceramidase; minus strand). Cytogenetic location: 14q31.3.
Variant type: single nucleotide variant.
Coding change: c.443-2A>G on transcript NM_000153.4 (MANE Select); the canonical splice acceptor site of the intron before coding-DNA position 443, A replaced by G.
Molecular consequence: splice acceptor variant.
Genome position (GRCh38, 1-based): chr14:87,984,535, T>C on the plus strand (A>G on the coding strand, the complement: GALC is on the minus strand). VCF-style: chr14-87984535-T-C. GRCh37 (hg19) VCF-style: chr14-88450879-T-C.
Other names: c.365-2A>G (NM_001201402.2); c.374-2A>G (NM_001201401.2).
Identifiers: ClinVar variation 647999 (VCV000647999.7), dbSNP rs1595236714, ClinGen allele CA390751979.